The following is an entry in ClinVar:

NM_000059.4(BRCA2):c.3061del (p.Glu1021fs)

Gene: BRCA2 (BRCA2 DNA repair associated; plus strand). Cytogenetic location: 13q13.1.
Variant type: Deletion.
Coding change: c.3061del on transcript NM_000059.4 (MANE Select); coding-DNA position 3061, one base deleted (G; older notation c.3061delG).
Protein change: p.Glu1021fs; shifts the reading frame from glutamic acid 1021.
Molecular consequence: frameshift variant.
Genome position (GRCh38, 1-based): chr13:32,337,416, G deleted. VCF-style (leftmost placement, unchanged base first): chr13-32337415-TG-T. GRCh37 (hg19) VCF-style: chr13-32911552-TG-T.
Other names: short protein forms E1021fs.
Identifiers: ClinVar variation 929055 (VCV000929055.1), dbSNP rs2072471318, ClinGen allele CA1139663134.
Genomic context (GRCh38, chr13:32,337,415, plus strand): 5'-TTCAAATCACAGTTTTGGAGGTAGCTTCAGAACAGCTTCAAATAAGGAAATCAAGCTCTC[TG>T]AACATAACATTAAGAAGAGCAAAATGTTCTTCAAAGATATTGAAGAACAATATCCTACTA-3'

ClinVar aggregate classification (germline): Likely pathogenic (1 of 4 stars; one submission).

Conditions:
Hereditary breast ovarian cancer syndrome. Also called: Hereditary breast and ovarian cancer syndrome; Hereditary breast and ovarian cancer syndrome (HBOC); Hereditary breast and/or ovarian cancer syndrome; Hereditary breast and ovarian cancer; Breast and ovarian cancer; BRCA1- and BRCA2-Associated Hereditary Breast and Ovarian Cancer. Identifiers: Orphanet 145, MedGen C0677776, MeSH D061325, MONDO:0003582. Disease mechanism: loss of function.

Submission:

Women's Health and Genetics/Laboratory Corporation of America, LabCorp
Classification: Likely pathogenic for Hereditary breast and ovarian cancer syndrome. Last evaluated: 2019-10-07. Review status: criteria provided, single submitter. Criteria: LabCorp Variant Classification Summary - May 2015. Collection method: clinical testing. Allele origin: germline.
Comment: Variant summary: BRCA2 c.3061delG (p.Glu1021AsnfsX22) results in a premature termination codon, predicted to cause a truncation of the encoded protein or absence of the protein due to nonsense mediated decay, which are commonly known mechanisms for disease. Truncations downstream of this position have been classified as pathogenic by our laboratory. The variant was absent in 250464 control chromosomes (gnomAD). To our knowledge, no occurrence of c.3061delG in individuals affected with Hereditary Breast and Ovarian Cancer and no experimental evidence demonstrating its impact on protein function have been reported. No clinical diagnostic laboratories have submitted clinical-significance assessments for this variant to ClinVar after 2014. Based on the evidence outlined above, the variant was classified as likely pathogenic.